The following is an entry in ClinVar:

ClinVar aggregate classification (germline): Conflicting classifications of pathogenicity. Review status: criteria provided, conflicting classifications (1 of 4 stars). 9 submissions from 9 submitters: Likely pathogenic (3); Uncertain significance (4). 2 of the submissions do not count toward it. Last evaluated 2026-06-08.

Conditions:
FANCC-related disorder. Also called: FANCC-related condition.
Hereditary cancer-predisposing syndrome. Also called: Tumor predisposition; Hereditary Cancer Syndrome; Hereditary neoplastic syndrome; Neoplastic Syndromes, Hereditary. Identifiers: Orphanet 140162, MedGen C0027672, MeSH D009386, MONDO:0015356.
Fanconi anemia complementation group C (FANCC). Also called: Fanconi anemia, group C; FANCC-Related Fanconi Anemia; FANCONI PANCYTOPENIA, TYPE 3; FACC. Identifiers: Orphanet 84, MedGen C3468041, MONDO:0009213, OMIM 227645.
Fanconi anemia (FA). Also called: Fanconi's anemia. Identifiers: Orphanet 84, MedGen C0015625, MeSH D005199, MONDO:0019391.

Allele frequency attached by ClinVar (database versions not stated): ExAC 0.00006; gnomAD 0.00006 and 0.00007; TOPMed 0.00006; ESP Exome Variant Server 0.00015; 1000 Genomes Project 0.00020; 1000 Genomes Project 30x 0.00031.
gnomAD v4.1: 111 of 1,613,576 alleles (0.0069%); highest among the groups gnomAD compares: Non-Finnish European, 0.0085%; no homozygotes.

Submissions (11):

Women's Health and Genetics/Laboratory Corporation of America, LabCorp
Classification: Uncertain significance. Last evaluated: 2026-06-08. Review status: criteria provided, single submitter. Criteria: LabCorp Variant Classification Summary - May 2015. Collection method: clinical testing. Allele origin: germline.
Comment: Variant summary: FANCC c.843+5G>A alters a conserved nucleotide located close to a canonical splice site and therefore could affect mRNA splicing, leading to a significantly altered protein sequence. Several computational tools predict a significant impact on normal splicing: Two predict the variant abolishes a 5' splicing donor site. Two predict the variant weakens a 5' donor site. One predicts the variant no significant impact on splicing. However, these predictions have yet to be confirmed by functional studies. The variant allele was found at a frequency of 2.8e-05 in 251412 control chromosomes. The available data on variant occurrences in the general population are insufficient to allow any conclusion about variant significance. To our knowledge, no occurrence of c.843+5G>A in individuals affected with FANCC-related conditions and no experimental evidence demonstrating its impact on protein function have been reported. ClinVar contains an entry for this variant (Variation ID: 216291). Based on the evidence outlined above, the variant was classified as uncertain significance.

GeneDx
Classification: Likely pathogenic. Last evaluated: 2025-06-13. Review status: criteria provided, single submitter. Criteria: GeneDx Variant Classification Process June 2021. Collection method: clinical testing. Allele origin: germline. Affected: yes.
Comment: Intronic variant directly or indirectly altering the +5 splice site in a gene for which loss of function is a known mechanism of disease, and splice predictors support a deleterious effect; Observed in a patient with breast cancer in published literature (PMID: 35264596); Not observed at significant frequency in large population cohorts (gnomAD); This variant is associated with the following publications: (PMID: 35264596)

Ambry Genetics
Classification: Likely pathogenic for Hereditary cancer-predisposing syndrome. Last evaluated: 2024-08-22. Review status: criteria provided, single submitter. Criteria: Ambry Variant Classification Scheme 2023. Collection method: clinical testing. Allele origin: germline.
Comment: The c.843+5G>A intronic variant results from a G to A substitution 5 nucleotides after coding exon 7 in the FANCC gene. This alteration was detected in a cohort of 1663 Brazilian breast cancer patients who underwent hereditary multigene panel testing (Guindalini RSC et al. Sci Rep, 2022 Mar;12:4190). This nucleotide position is highly conserved in available vertebrate species. In silico splice site analysis predicts that this alteration will weaken the native splice donor site. RNA studies have demonstrated this alteration results in abnormal splicing in the set of samples tested (Ambry internal data). Based on the majority of available evidence to date, this variant is likely to be pathogenic.

Fulgent Genetics
Classification: Likely pathogenic for Fanconi anemia complementation group C. Last evaluated: 2024-04-02. Review status: criteria provided, single submitter. Criteria: ACMG Guidelines, 2015. Collection method: clinical testing. Allele origin: germline.

Labcorp Genetics (formerly Invitae), Labcorp
Classification: Uncertain significance for Fanconi anemia. Last evaluated: 2022-10-29. Review status: criteria provided, single submitter. Criteria: Invitae Variant Classification Sherloc (09022015). Collection method: clinical testing. Allele origin: germline.
Comment: This sequence change falls in intron 8 of the FANCC gene. It does not directly change the encoded amino acid sequence of the FANCC protein. It affects a nucleotide within the consensus splice site. This variant is present in population databases (rs369082921, gnomAD 0.008%). This variant has not been reported in the literature in individuals affected with FANCC-related conditions. ClinVar contains an entry for this variant (Variation ID: 216291). Variants that disrupt the consensus splice site are a relatively common cause of aberrant splicing (PMID: 17576681, 9536098). Algorithms developed to predict the effect of sequence changes on RNA splicing suggest that this variant may disrupt the consensus splice site. In summary, the available evidence is currently insufficient to determine the role of this variant in disease. Therefore, it has been classified as a Variant of Uncertain Significance.

Quest Diagnostics Nichols Institute San Juan Capistrano
Classification: Uncertain significance. Last evaluated: 2022-09-30. Review status: criteria provided, single submitter. Criteria: Quest Diagnostics criteria. Collection method: clinical testing. Allele origin: unknown.
Comment: To the best of our knowledge, the variant has not been reported in the published literature. The frequency of this variant in the general population, 0.000039 (5/129150 chromosomes), is uninformative in assessment of its pathogenicity. Analysis of this variant using software algorithms for the prediction of the effect of nucleotide changes on splicing yielded predictions that this variant may affect proper FANCC mRNA splicing . Based on the available information, we are unable to determine the clinical significance of this variant.

Mendelics
Classification: Uncertain significance for Fanconi anemia, complementation group C. Last evaluated: 2018-07-02. Review status: criteria provided, single submitter. Criteria: Mendelics Assertion Criteria 2017. Collection method: clinical testing. Allele origin: unknown.

PreventionGenetics, part of Exact Sciences
Classification: Uncertain significance for FANCC-related condition. Last evaluated: 2024-07-01. Review status: no assertion criteria provided. Collection method: clinical testing. Allele origin: germline. Not counted in ClinVar's aggregate classification.
Comment: The FANCC c.843+5G>A variant is predicted to interfere with splicing. To our knowledge, this variant has not been reported in the literature. This variant is reported in 0.0080% of alleles in individuals of African descent in gnomAD. At this time, the clinical significance of this variant is uncertain due to the absence of conclusive functional and genetic evidence.

Counsyl
Classification: Uncertain significance for Fanconi anemia complementation group C. Last evaluated: 2017-03-16. Review status: no assertion criteria provided. Collection method: clinical testing. Allele origin: unknown. Not counted in ClinVar's aggregate classification.

Dr. Peter K. Rogan Lab, Western University
No classification provided (evidence only). Condition: Sarcoma. Review status: no classification provided. Collection method: in vitro. Allele origin: not applicable. Functional consequence: retained intron. Not counted in ClinVar's aggregate classification.

Dr. Peter K. Rogan Lab, Western University
No classification provided (evidence only). Condition: Gastric cancer. Review status: no classification provided. Collection method: in vitro. Allele origin: not applicable. Functional consequence: retained intron. Not counted in ClinVar's aggregate classification.

Literature cited by the submitters: PubMed 35264596 (cited by Ambry Genetics); PubMed 17576681 (cited by Labcorp Genetics (formerly Invitae), Labcorp); PubMed 9536098 (cited by Labcorp Genetics (formerly Invitae), Labcorp).

NM_000136.3(FANCC):c.843+5G>A

Genes: AOPEP (aminopeptidase O (putative); plus strand), FANCC (FA complementation group C; minus strand). Cytogenetic location: 9q22.32.
Variant type: single nucleotide variant.
Coding change: c.843+5G>A on transcript NM_000136.3 (MANE Select); 5 bases into the intron after coding-DNA position 843, G replaced by A.
Molecular consequence: intron variant.
Genome position (GRCh38, 1-based): chr9:95,135,341, C>T on the plus strand (G>A on the coding strand, the complement: FANCC is on the minus strand). VCF-style: chr9-95135341-C-T. GRCh37 (hg19) VCF-style: chr9-97897623-C-T.
Other names: c.843+5G>A (NM_001243743.2, NM_001243744.2).
Identifiers: ClinVar variation 216291 (VCV000216291.26), dbSNP rs369082921, ClinGen allele CA339272.